The following is an entry in ClinVar:

NM_007194.4(CHEK2):c.793-110_846+2del

Gene: CHEK2 (checkpoint kinase 2; minus strand). Cytogenetic location: 22q12.1.
Variant type: Deletion.
Coding change: c.793-110_846+2del on transcript NM_007194.4 (MANE Select); 110 bases into the intron before coding-DNA position 793 through the canonical splice donor site of the intron after coding-DNA position 846, 166 bases deleted.
Molecular consequence: splice acceptor variant, splice donor variant.
Genome position (GRCh38, 1-based): chr22:28,710,004-28,710,169, 166 bases deleted. GRCh37 (hg19): chr22:29,105,992-29,106,157.
Other names: c.130-110_183+2del (NM_001437942.1, NM_001257387.3); c.592-110_645+2del (NM_001349956.3); c.793-110_846+2del (NM_145862.3); c.886-110_939+2del (NM_001438295.1, NM_001438293.1); c.922-110_975+2del (NM_001438294.1, NM_001005735.3).
Identifiers: ClinVar variation 1050237 (VCV001050237.2), dbSNP rs2145932387, ClinGen allele CA2499226079.

ClinVar aggregate classification (germline): Pathogenic (0 of 4 stars; one submission).

Conditions:
Malignant tumor of breast. Also called: Malignant breast neoplasm; Cancer breast. Identifiers: MedGen C0006142, MONDO:0007254. Disease mechanism: loss of function.

Submission:

Department of Pathology and Laboratory Medicine, Sinai Health System
Classification: Pathogenic for Malignant tumor of breast. Review status: no assertion criteria provided. Collection method: clinical testing. Allele origin: unknown. Affected: yes. Study: The Canadian Open Genetics Repository (COGR).
Comment: The CHEK2 c.684-?_846+?del variant (chr:22 g.29105994_29108005del GRCh37) results in a deletion of exons 6 and 7, although the precise breakpoints of this deletion were not determined, nor were the effects of this variant on the resulting mRNA or protein product determined. The CHEK2 c.684-?_846+?del variant was identified in 1 of 2060 proband chromosomes (frequency: 0.0005) from an individuals enrolled in a study for cancer panel testing (Susswein 2016). The variant was also identified in ClinVar (1x as pathogenic by Invitae). The variant was not identified in dbSNP, Cosmic, MutDB or Zhejiang University Database. The variant was not identified in the database of genomic variants or in the Exome Aggregation Consortium (August 8th 2016). The c.684-?_846+?del alteration is predicted to result in a truncated or absent protein and loss of function. Loss of function variants of the CHEK2 gene are an established mechanism of disease in CHEK2-associated Cancer related cancers and is the type of variant expected to cause the disorder. In summary, based on the above information this variant meets our laboratoryâ€šÃ„Ã´s criteria to be classified as pathogenic.